The following is an entry in ClinVar:

NM_000310.4(PPT1):c.277A>G (p.Thr93Ala)

Gene: PPT1 (palmitoyl-protein thioesterase 1; minus strand). Cytogenetic location: 1p34.2.
Variant type: single nucleotide variant.
Coding change: c.277A>G on transcript NM_000310.4 (MANE Select); coding-DNA position 277, A replaced by G.
Protein change: p.Thr93Ala; replaces threonine 93 with alanine.
Molecular consequence: missense variant. On other transcripts: intron variant (1).
Genome position (GRCh38, 1-based): chr1:40,092,130, T>C on the plus strand (A>G on the coding strand, the complement: PPT1 is on the minus strand). VCF-style: chr1-40092130-T-C. GRCh37 (hg19) VCF-style: chr1-40557802-T-C.
Other names: c.277A>G, p.Thr93Ala (NM_001363695.2); c.125-2618A>G (NM_001142604.2); short protein forms T93A.
Identifiers: ClinVar variation 1970107 (VCV001970107.5), dbSNP rs2523688095, ClinGen allele CA339849226.

ClinVar aggregate classification (germline): Uncertain significance (1 of 4 stars; one submission).

Conditions:
Neuronal ceroid lipofuscinosis 1 (CLN1). Also called: CEROID LIPOFUSCINOSIS, NEURONAL, 1, VARIABLE AGE AT ONSET; PPT1-Related Neuronal Ceroid-Lipofuscinosis. Identifiers: Orphanet 228329, MedGen C1850451, MONDO:0009744, OMIM 256730.

Allele frequency attached by ClinVar (database versions not stated): gnomAD exomes below 0.00001.
gnomAD v4.1: 2 of 1,614,076 alleles (0.00012%); highest among the groups gnomAD compares: Non-Finnish European, 0.00017%; no homozygotes.

Submission:

Labcorp Genetics (formerly Invitae), Labcorp
Classification: Uncertain significance for Neuronal ceroid lipofuscinosis 1. Last evaluated: 2024-10-23. Review status: criteria provided, single submitter. Criteria: Invitae Variant Classification Sherloc (09022015). Collection method: clinical testing. Allele origin: germline.
Comment: This sequence change replaces threonine, which is neutral and polar, with alanine, which is neutral and non-polar, at codon 93 of the PPT1 protein (p.Thr93Ala). This variant is not present in population databases (gnomAD no frequency). This variant has not been reported in the literature in individuals affected with PPT1-related conditions. ClinVar contains an entry for this variant (Variation ID: 1970107). Invitae Evidence Modeling of protein sequence and biophysical properties (such as structural, functional, and spatial information, amino acid conservation, physicochemical variation, residue mobility, and thermodynamic stability) indicates that this missense variant is not expected to disrupt PPT1 protein function with a negative predictive value of 95%. In summary, the available evidence is currently insufficient to determine the role of this variant in disease. Therefore, it has been classified as a Variant of Uncertain Significance.